The following is an entry in ClinVar:

ClinVar aggregate classification (germline): Likely benign (1 of 4 stars; one submission).

Conditions:
CHRNE-related disorder. Also called: CHRNE-related condition.

Submission:

PreventionGenetics, part of Exact Sciences
Classification: Likely benign for CHRNE-related condition. Last evaluated: 2025-08-12. Review status: criteria provided, single submitter. Criteria: ACMG Guidelines, 2015. Collection method: clinical testing. Allele origin: germline.
Comment: This variant is classified as likely benign based on ACMG/AMP sequence variant interpretation guidelines (Richards et al. 2015 PMID: 25741868, with internal and published modifications).

NM_000080.4(CHRNE):c.1326+30G>T

Gene: CHRNE (cholinergic receptor nicotinic epsilon subunit; minus strand). Cytogenetic location: 17p13.2.
Variant type: single nucleotide variant.
Coding change: c.1326+30G>T on transcript NM_000080.4 (MANE Select); 30 bases into the intron after coding-DNA position 1326, G replaced by T.
Molecular consequence: intron variant.
Genome position (GRCh38, 1-based): chr17:4,898,971, C>A on the plus strand (G>T on the coding strand, the complement: CHRNE is on the minus strand). VCF-style: chr17-4898971-C-A. GRCh37 (hg19) VCF-style: chr17-4802266-C-A.
Identifiers: ClinVar variation 4987475 (VCV004987475.1).